The following is an entry in ClinVar:

ClinVar aggregate classification (germline): Uncertain significance (1 of 4 stars; one submission).

Conditions:
Immunodeficiency, common variable, 10. Also called: DEFICIT IN ANTERIOR PITUITARY FUNCTION AND VARIABLE IMMUNODEFICIENCY; IMMUNODEFICIENCY, COMMON VARIABLE, WITH CENTRAL ADRENAL INSUFFICIENCY. Identifiers: MedGen C3809991, MONDO:0014260, OMIM 615577.

Submission:

Labcorp Genetics (formerly Invitae), Labcorp
Classification: Uncertain significance for Immunodeficiency, common variable, 10. Last evaluated: 2022-08-23. Review status: criteria provided, single submitter. Criteria: Invitae Variant Classification Sherloc (09022015). Collection method: clinical testing. Allele origin: germline.
Comment: This variant is not present in population databases (gnomAD no frequency). In summary, the available evidence is currently insufficient to determine the role of this variant in disease. Therefore, it has been classified as a Variant of Uncertain Significance. Algorithms developed to predict the effect of missense changes on protein structure and function are either unavailable or do not agree on the potential impact of this missense change (SIFT: "Deleterious"; PolyPhen-2: "Benign"; Align-GVGD: "Class C0"). ClinVar contains an entry for this variant (Variation ID: 859450). This variant has not been reported in the literature in individuals affected with NFKB2-related conditions. This sequence change replaces proline, which is neutral and non-polar, with leucine, which is neutral and non-polar, at codon 763 of the NFKB2 protein (p.Pro763Leu).

NM_001322934.2(NFKB2):c.2288C>T (p.Pro763Leu)

Gene: NFKB2 (nuclear factor kappa B subunit 2; plus strand). Cytogenetic location: 10q24.32.
Variant type: single nucleotide variant.
Coding change: c.2288C>T on transcript NM_001322934.2 (MANE Select); coding-DNA position 2288, C replaced by T.
Protein change: p.Pro763Leu; replaces proline 763 with leucine.
Molecular consequence: missense variant.
Genome position (GRCh38, 1-based): chr10:102,401,513, C>T. VCF-style: chr10-102401513-C-T. GRCh37 (hg19) VCF-style: chr10-104161270-C-T.
Other names: c.2288C>T, p.Pro763Leu (NM_001077494.3, NM_001261403.3, NM_001288724.1 and 1 more transcripts); c.2162C>T, p.Pro721Leu (NM_001322935.1); short protein forms P721L, P763L.
Identifiers: ClinVar variation 859450 (VCV000859450.9), dbSNP rs2061248353, ClinGen allele CA377904972.